The following is an entry in ClinVar:

ClinVar aggregate classification (germline): Conflicting classifications of pathogenicity. Review status: criteria provided, conflicting classifications (1 of 4 stars). 6 submissions from 6 submitters: Uncertain significance (4); Benign (1); Likely benign (1). Last evaluated 2024-12-31.

Conditions:
Familial thoracic aortic aneurysm and aortic dissection (TAAD). Also called: Thoracic aortic aneurysms and dissections. Identifiers: Orphanet 91387, MedGen C4707243, MONDO:0019625.
Aortic aneurysm, familial thoracic 4 (AAT4). Also called: AORTIC ANEURYSM/AORTIC DISSECTION AND PATENT DUCTUS ARTERIOSUS. Identifiers: MedGen C1851504, MONDO:0007568, OMIM 132900.

Allele frequency attached by ClinVar (database versions not stated): ExAC 0.00005; gnomAD exomes 0.00006; gnomAD 0.00007 and 0.00008; TOPMed 0.00009.
gnomAD v4.1: 78 of 1,614,076 alleles (0.0048%); highest among the groups gnomAD compares: East Asian, 0.018%; no homozygotes.

Submissions (6):

ARUP Laboratories, Molecular Genetics and Genomics, ARUP Laboratories
Classification: Uncertain significance. Last evaluated: 2024-12-31. Review status: criteria provided, single submitter. Criteria: ARUP Molecular Germline Variant Investigation Process 2024. Collection method: clinical testing. Allele origin: germline.
Comment: The MYH11 c.3611C>T; p.Ala1204Val variant (rs772621139, ClinVar Variation ID: 201028) is reported in the literature in an individual affected with thoracic aortic dissection, but without clear disease association (Gago-Diaz 2017). This variant is found in the general population with an overall allele frequency of 0.0060% (17/282866 alleles) in the Genome Aggregation Database (v2.1.1). Computational analyses are uncertain whether this variant is neutral or deleterious (REVEL: 0.290). Due to limited information, the clinical significance of this variant is uncertain at this time. References: Gago-Diaz M et al. Postmortem genetic testing should be recommended in sudden cardiac death cases due to thoracic aortic dissection. Int J Legal Med. 2017 Sep;131(5):1211-1219. PMID: 28391405.

Labcorp Genetics (formerly Invitae), Labcorp
Classification: Uncertain significance for Aortic aneurysm, familial thoracic 4. Last evaluated: 2024-10-01. Review status: criteria provided, single submitter. Criteria: Invitae Variant Classification Sherloc (09022015). Collection method: clinical testing. Allele origin: germline.
Comment: This sequence change replaces alanine, which is neutral and non-polar, with valine, which is neutral and non-polar, at codon 1211 of the MYH11 protein (p.Ala1211Val). This variant is present in population databases (rs772621139, gnomAD 0.05%). This missense change has been observed in individual(s) with autosomal dominant MYH11-related conditions (internal data). ClinVar contains an entry for this variant (Variation ID: 201028). Invitae Evidence Modeling of protein sequence and biophysical properties (such as structural, functional, and spatial information, amino acid conservation, physicochemical variation, residue mobility, and thermodynamic stability) indicates that this missense variant is not expected to disrupt MYH11 protein function with a negative predictive value of 95%. In summary, the available evidence is currently insufficient to determine the role of this variant in disease. Therefore, it has been classified as a Variant of Uncertain Significance.

Color Diagnostics, LLC DBA Color Health
Classification: Benign for Familial thoracic aortic aneurysm and aortic dissection. Last evaluated: 2024-09-12. Review status: criteria provided, single submitter. Criteria: ACMG Guidelines, 2015. Collection method: clinical testing. Allele origin: germline.

Revvity Omics, Revvity
Classification: Uncertain significance. Last evaluated: 2021-12-23. Review status: criteria provided, single submitter. Criteria: ACMG Guidelines, 2015. Collection method: clinical testing. Allele origin: germline.

Ambry Genetics
Classification: Likely benign for Familial thoracic aortic aneurysm and aortic dissection. Last evaluated: 2021-09-30. Review status: criteria provided, single submitter. Criteria: Ambry Variant Classification Scheme 2023. Collection method: clinical testing. Allele origin: germline.

GeneDx
Classification: Uncertain significance. Last evaluated: 2021-07-13. Review status: criteria provided, single submitter. Criteria: GeneDx Variant Classification Process June 2021. Collection method: clinical testing. Allele origin: germline. Affected: yes.
Comment: Reported in an individual with TAAD who was found to harbor a second MYH11 variant (phase unknown) (Gago-Diaz et al, 2017); Reported in ClinVar (ClinVar Variant ID# 201028; Landrum et al., 2016); In silico analysis, which includes protein predictors and evolutionary conservation, supports that this variant does not alter protein structure/function; This variant is associated with the following publications: (PMID: 26582918, 27535533, 28391405)

NM_002474.3(MYH11):c.3611C>T (p.Ala1204Val)

Gene: MYH11 (myosin heavy chain 11; minus strand). Cytogenetic location: 16p13.11.
Variant type: single nucleotide variant.
Coding change: c.3611C>T on transcript NM_002474.3 (MANE Select); coding-DNA position 3611, C replaced by T.
Protein change: p.Ala1204Val; replaces alanine 1204 with valine.
Molecular consequence: missense variant.
Genome position (GRCh38, 1-based): chr16:15,732,604, G>A on the plus strand (C>T on the coding strand, the complement: MYH11 is on the minus strand). VCF-style: chr16-15732604-G-A. GRCh37 (hg19) VCF-style: chr16-15826461-G-A.
Other names: p.A1204V:GCG>GTG; c.3632C>T, p.Ala1211Val (NM_001040113.2, NM_001040114.2); c.3611C>T, p.Ala1204Val (NM_022844.3); short protein forms A1204V, A1211V.
Identifiers: ClinVar variation 201028 (VCV000201028.21), dbSNP rs772621139, ClinGen allele CA306450.